The following is an entry in ClinVar:

ClinVar aggregate classification (germline): Benign/Likely benign. Review status: criteria provided, multiple submitters, no conflicts (2 of 4 stars). 2 submissions from 2 submitters: Benign (1); Likely benign (1). Last evaluated 2026-07-14.

Conditions:
Rhabdoid tumor predisposition syndrome 2 (RTPS2). Identifiers: Orphanet 231108, Orphanet 69077, MedGen C2750074, MONDO:0013224, OMIM 613325.

gnomAD v4.1: 8 of 1,612,064 alleles (0.0005%); highest among the groups gnomAD compares: Non-Finnish European, 0.00068%; no homozygotes.

Submissions (2):

Myriad Genetics, Inc.
Classification: Benign for Rhabdoid tumor predisposition syndrome 2. Last evaluated: 2026-07-14. Review status: criteria provided, single submitter. Criteria: Myriad Autosomal Dominant, Autosomal Recessive and X-Linked Classification Criteria (2023). Collection method: clinical testing. Allele origin: unknown.
Comment: This variant is considered benign. This variant is a silent/synonymous amino acid change and it is not expected to impact splicing.

Labcorp Genetics (formerly Invitae), Labcorp
Classification: Likely benign for Rhabdoid tumor predisposition syndrome 2. Last evaluated: 2020-11-17. Review status: criteria provided, single submitter. Criteria: Invitae Variant Classification Sherloc (09022015). Collection method: clinical testing. Allele origin: germline.

NM_003072.5(SMARCA4):c.3165C>A (p.Ile1055=)

Gene: SMARCA4 (SWI/SNF related BAF chromatin remodeling complex subunit ATPase 4; plus strand). Cytogenetic location: 19p13.2.
Variant type: single nucleotide variant.
Coding change: c.3165C>A on transcript NM_003072.5 (MANE Select); coding-DNA position 3165, C replaced by A.
Protein change: p.Ile1055=; no amino-acid change (isoleucine 1055 retained).
Molecular consequence: synonymous variant. On other transcripts: non-coding transcript variant (1).
Genome position (GRCh38, 1-based): chr19:11,025,505, C>A. VCF-style: chr19-11025505-C-A. GRCh37 (hg19) VCF-style: chr19-11136181-C-A.
Other names: c.3165C>A, p.Ile1055= (NM_001128844.3, NM_001128845.2, NM_001128846.2 and 5 more transcripts).
Identifiers: ClinVar variation 1653071 (VCV001653071.9), dbSNP rs774483875, ClinGen allele CA9204329.